The following is an entry in ClinVar:

ClinVar aggregate classification (germline): Likely benign (1 of 4 stars; one submission).

gnomAD v4.1: 212 of 1,614,096 alleles (0.013%); highest among the groups gnomAD compares: Non-Finnish European, 0.016%; no homozygotes.

Submission:

CeGaT Center for Human Genetics Tuebingen
Classification: Likely benign. Last evaluated: 2024-09-01. Review status: criteria provided, single submitter. Criteria: CeGaT Center For Human Genetics Tuebingen Variant Classification Criteria Version 2. Collection method: clinical testing. Allele origin: germline. Affected: yes. Observed: 1 variant allele.
Comment: OXGR1: BP4, BP7

NM_001346194.2(OXGR1):c.327C>T (p.Ile109=)

Gene: OXGR1 (oxoglutarate receptor 1; minus strand). Cytogenetic location: 13q32.1.
Variant type: single nucleotide variant.
Coding change: c.327C>T on transcript NM_001346194.2 (MANE Select); coding-DNA position 327, C replaced by T.
Protein change: p.Ile109=; no amino-acid change (isoleucine 109 retained).
Molecular consequence: synonymous variant.
Genome position (GRCh38, 1-based): chr13:96,987,433, G>A on the plus strand (C>T on the coding strand, the complement: OXGR1 is on the minus strand). VCF-style: chr13-96987433-G-A. GRCh37 (hg19) VCF-style: chr13-97639687-G-A.
Other names: c.327C>T, p.Ile109= (NM_001346195.2, NM_001346196.2, NM_001346197.2 and 1 more transcripts).
Identifiers: ClinVar variation 3388759 (VCV003388759.14).
Genomic context (GRCh38, chr13:96,987,433, plus strand): 5'-GATGCTGAAACAGGTGAGGAAGAGGATGCTGCTATACAGGTTGAAATGGAAGCTGAAGCG[G>A]ATAAACTTACACATGAAATCTCCAAAGATCCAGTTTTCGCCACTGGCATAGTAGTGAATC-3'
Protein context (NP_001333123.1, residues 99-119): WIFGDFMCKF[Ile109=]RFSFHFNLYS